The following is an entry in ClinVar:

ClinVar aggregate classification (germline): Uncertain significance. Review status: criteria provided, multiple submitters, no conflicts (2 of 4 stars). 2 submissions from 2 submitters: Uncertain significance (2). Last evaluated 2025-04-01.

Conditions:
Inborn genetic diseases. Identifiers: MedGen C0950123, MeSH D030342.
Inflammatory skin and bowel disease, neonatal, 1. Identifiers: Orphanet 294023, MedGen C3280501, MONDO:0013693, OMIM 614328.

Allele frequency attached by ClinVar (database versions not stated): TOPMed below 0.00001; gnomAD exomes 0.00001.
gnomAD v4.1: 3 of 1,599,782 alleles (0.00019%); highest among the groups gnomAD compares: Non-Finnish European, 0.00026%; no homozygotes.

Submissions (2):

Ambry Genetics
Classification: Uncertain significance for Inborn genetic diseases. Last evaluated: 2025-04-01. Review status: criteria provided, single submitter. Criteria: Ambry Variant Classification Scheme 2023. Collection method: clinical testing. Allele origin: germline.

Labcorp Genetics (formerly Invitae), Labcorp
Classification: Uncertain significance for Inflammatory skin and bowel disease, neonatal, 1. Last evaluated: 2020-07-24. Review status: criteria provided, single submitter. Criteria: Invitae Variant Classification Sherloc (09022015). Collection method: clinical testing. Allele origin: germline.
Comment: This sequence change replaces valine with leucine at codon 12 of the ADAM17 protein (p.Val12Leu). The valine residue is weakly conserved and there is a small physicochemical difference between valine and leucine. In summary, the available evidence is currently insufficient to determine the role of this variant in disease. Therefore, it has been classified as a Variant of Uncertain Significance. Algorithms developed to predict the effect of missense changes on protein structure and function are either unavailable or do not agree on the potential impact of this missense change (SIFT: "Not Available"; PolyPhen-2: "Benign"; Align-GVGD: "Not Available"). This variant has not been reported in the literature in individuals with ADAM17-related conditions. This variant is not present in population databases (ExAC no frequency).

NM_003183.6(ADAM17):c.34G>C (p.Val12Leu)

Gene: ADAM17 (ADAM metallopeptidase domain 17; minus strand). Cytogenetic location: 2p25.1.
Variant type: single nucleotide variant.
Coding change: c.34G>C on transcript NM_003183.6 (MANE Select); coding-DNA position 34, G replaced by C.
Protein change: p.Val12Leu; replaces valine 12 with leucine.
Molecular consequence: missense variant. On other transcripts: 5 prime UTR variant (2).
Genome position (GRCh38, 1-based): chr2:9,555,572, C>G on the plus strand (G>C on the coding strand, the complement: ADAM17 is on the minus strand). VCF-style: chr2-9555572-C-G. GRCh37 (hg19) VCF-style: chr2-9695701-C-G.
Other names: c.-647G>C (NM_001382777.1); c.-889G>C (NM_001382778.1); c.34G>C (NM_003183.4); short protein forms V12L.
Identifiers: ClinVar variation 1047486 (VCV001047486.8), dbSNP rs1186689463, ClinGen allele CA345790064.
Genomic context (GRCh38, chr2:9,555,572, plus strand): 5'-GTCTCTGGTGGGGGCCGAAGCCCGGGTCATCCGGAGGTCGCGGCGCCAGCACGAAAGGAA[C>G]CACGCTGGTCAGGAATAGGAGAGACTGCCTCATGTTCCCGGCCCCGCTACCGACTCCACC-3'
Protein context (NP_003174.3, residues 2-22): RQSLLFLTSV[Val12Leu]PFVLAPRPPD